The following is an entry in ClinVar:

ClinVar aggregate classification (germline): Uncertain significance (1 of 4 stars; one submission).

Conditions:
Epidermolysis bullosa simplex 5B, with muscular dystrophy (EBS5B). Also called: Epidermolysis bullosa simplex with muscular dystrophy; EPIDERMOLYSIS BULLOSA SIMPLEX AND LIMB-GIRDLE MUSCULAR DYSTROPHY. Identifiers: Orphanet 257, MedGen C2931072, MONDO:0009181, OMIM 226670.
Autosomal recessive limb-girdle muscular dystrophy type 2Q (LGMDR17). Also called: MUSCULAR DYSTROPHY, LIMB-GIRDLE, AUTOSOMAL RECESSIVE 17. Identifiers: Orphanet 254361, MedGen C3150989, MONDO:0013390, OMIM 613723.
Epidermolysis bullosa simplex with nail dystrophy (EBS5D). Identifiers: MedGen C4225309, MONDO:0014661, OMIM 616487.
Epidermolysis bullosa simplex 5C, with pyloric atresia (EBS5C). Also called: Epidermolysis bullosa simplex with pyloric atresia; PLEC-Related Epidermolysis Bullosa with Pyloric Atresia; PLEC1-Related Epidermolysis Bullosa with Pyloric Atresia. Identifiers: Orphanet 158684, MedGen C2677349, MONDO:0012807, OMIM 612138.
Epidermolysis bullosa simplex, Ogna type (EBS5A). Also called: EPIDERMOLYSIS BULLOSA SIMPLEX 5A, OGNA TYPE; Pidermolysis bullosa simplex 5A, Ogna type. Identifiers: Orphanet 79401, MedGen C0432317, MONDO:0007555, OMIM 131950.

Allele frequency attached by ClinVar (database versions not stated): gnomAD exomes below 0.00001; TOPMed 0.00001.
gnomAD v4.1: 1 of 1,612,490 alleles (0.000062%); highest among the groups gnomAD compares: East Asian, 0.0022%; no homozygotes.

Submission:

Labcorp Genetics (formerly Invitae), Labcorp
Classification: Uncertain significance for Autosomal recessive limb-girdle muscular dystrophy type 2Q; Epidermolysis bullosa simplex, Ogna type; Epidermolysis bullosa simplex with nail dystrophy; Epidermolysis bullosa simplex 5C, with pyloric atresia; Epidermolysis bullosa simplex 5B, with muscular dystrophy. Last evaluated: 2023-02-06. Review status: criteria provided, single submitter. Criteria: Invitae Variant Classification Sherloc (09022015). Collection method: clinical testing. Allele origin: germline.
Comment: In summary, the available evidence is currently insufficient to determine the role of this variant in disease. Therefore, it has been classified as a Variant of Uncertain Significance. Algorithms developed to predict the effect of missense changes on protein structure and function are either unavailable or do not agree on the potential impact of this missense change (SIFT: "Deleterious"; PolyPhen-2: "Not Available"; Align-GVGD: "Class C0"). ClinVar contains an entry for this variant (Variation ID: 1498773). This variant has not been reported in the literature in individuals affected with PLEC-related conditions. This variant is present in population databases (no rsID available, gnomAD 0.006%). This sequence change replaces isoleucine, which is neutral and non-polar, with asparagine, which is neutral and polar, at codon 343 of the PLEC protein (p.Ile343Asn).

NM_201384.3(PLEC):c.947T>A (p.Ile316Asn)

Gene: PLEC (plectin; minus strand). Cytogenetic location: 8q24.3.
Variant type: single nucleotide variant.
Coding change: c.947T>A on transcript NM_201384.3 (MANE Select); coding-DNA position 947, T replaced by A.
Protein change: p.Ile316Asn; replaces isoleucine 316 with asparagine.
Molecular consequence: missense variant.
Genome position (GRCh38, 1-based): chr8:143,934,729, A>T on the plus strand (T>A on the coding strand, the complement: PLEC is on the minus strand). VCF-style: chr8-143934729-A-T. GRCh37 (hg19) VCF-style: chr8-145008897-A-T.
Other names: c.1028T>A, p.Ile343Asn (NM_000445.5); c.905T>A, p.Ile302Asn (NM_201378.4); c.881T>A, p.Ile294Asn (NM_201379.3); c.1358T>A, p.Ile453Asn (NM_201380.4); c.851T>A, p.Ile284Asn (NM_201381.3); c.947T>A, p.Ile316Asn (NM_201382.4); c.959T>A, p.Ile320Asn (NM_201383.3); short protein forms I284N, I320N, I343N, I316N, I294N, I302N, I453N.
Identifiers: ClinVar variation 1498773 (VCV001498773.6), dbSNP rs782003639, ClinGen allele CA372585772.